The following is an entry in ClinVar:

ClinVar aggregate classification (germline): Uncertain significance. Review status: criteria provided, multiple submitters, no conflicts (2 of 4 stars). 2 submissions from 2 submitters: Uncertain significance (2). Last evaluated 2024-08-19.

gnomAD v4.1: 37 of 1,600,312 alleles (0.0023%); highest among the groups gnomAD compares: Non-Finnish European, 0.0031%; no homozygotes.

Submissions (2):

GeneDx
Classification: Uncertain significance. Last evaluated: 2024-08-19. Review status: criteria provided, single submitter. Criteria: GeneDx Variant Classification Process June 2021. Collection method: clinical testing. Allele origin: germline.
Comment: In silico analysis supports that this missense variant has a deleterious effect on protein structure/function; Has not been previously published as pathogenic or benign to our knowledge; Variants in candidate genes are classified as variants of uncertain significance in accordance with ACMG guidelines (PMID: 25741868)

Labcorp Genetics (formerly Invitae), Labcorp
Classification: Uncertain significance. Last evaluated: 2024-05-06. Review status: criteria provided, single submitter. Criteria: Invitae Variant Classification Sherloc (09022015). Collection method: clinical testing. Allele origin: germline.
Comment: This sequence change replaces tyrosine, which is neutral and polar, with cysteine, which is neutral and slightly polar, at codon 45 of the HOMER2 protein (p.Tyr45Cys). This variant is present in population databases (rs369841127, gnomAD 0.004%). This variant has not been reported in the literature in individuals affected with HOMER2-related conditions. An algorithm developed to predict the effect of missense changes on protein structure and function (PolyPhen-2) suggests that this variant is likely to be disruptive. In summary, the available evidence is currently insufficient to determine the role of this variant in disease. Therefore, it has been classified as a Variant of Uncertain Significance.

NM_004839.4(HOMER2):c.134A>G (p.Tyr45Cys)

Gene: HOMER2 (homer scaffold protein 2; minus strand). Cytogenetic location: 15q25.2.
Variant type: single nucleotide variant.
Coding change: c.134A>G on transcript NM_004839.4 (MANE Select); coding-DNA position 134, A replaced by G.
Protein change: p.Tyr45Cys; replaces tyrosine 45 with cysteine.
Molecular consequence: missense variant.
Genome position (GRCh38, 1-based): chr15:82,892,713, T>C on the plus strand (A>G on the coding strand, the complement: HOMER2 is on the minus strand). VCF-style: chr15-82892713-T-C. GRCh37 (hg19) VCF-style: chr15-83561465-T-C.
Other names: c.134A>G, p.Tyr45Cys (NM_199330.3); c.134A>G (NM_199330.2); short protein forms Y45C.
Identifiers: ClinVar variation 3709790 (VCV003709790.3).